The following is an entry in ClinVar:

ClinVar aggregate classification (germline): Benign (1 of 4 stars; one submission).

Conditions:
Lynch syndrome 4 (LYNCH4). Also called: Colorectal cancer, hereditary nonpolyposis, type 4; Hereditary non-polyposis colorectal cancer, type 4. Identifiers: Orphanet 144, MedGen C1838333, MONDO:0013699, OMIM 614337. Disease mechanism: loss of function.

Submission:

Myriad Genetics, Inc.
Classification: Benign for Lynch syndrome 4. Last evaluated: 2025-02-03. Review status: criteria provided, single submitter. Criteria: Myriad Autosomal Dominant, Autosomal Recessive and X-Linked Classification Criteria (2023). Collection method: clinical testing. Allele origin: unknown.
Comment: This variant is considered benign. This variant is a silent/synonymous amino acid change and it is not expected to impact splicing.

NM_000535.7(PMS2):c.1974A>G (p.Gln658=)

Gene: PMS2 (PMS1 homolog 2, mismatch repair system component; minus strand). Cytogenetic location: 7p22.1.
Variant type: single nucleotide variant.
Coding change: c.1974A>G on transcript NM_000535.7 (MANE Select); coding-DNA position 1974, A replaced by G.
Protein change: p.Gln658=; no amino-acid change (glutamine 658 retained).
Molecular consequence: synonymous variant. On other transcripts: non-coding transcript variant (1), intron variant (1).
Genome position (GRCh38, 1-based): chr7:5,986,791, T>C on the plus strand (A>G on the coding strand, the complement: PMS2 is on the minus strand). VCF-style: chr7-5986791-T-C. GRCh37 (hg19) VCF-style: chr7-6026422-T-C.
Other names: c.1569A>G, p.Gln523= (NM_001322003.2, NM_001322004.2, NM_001322005.2 and 16 more transcripts); c.1818A>G, p.Gln606= (NM_001322006.2, NM_001406870.1); c.1656A>G, p.Gln552= (NM_001322007.2, NM_001322008.2, NM_001406876.1 and 2 more transcripts); c.1413A>G, p.Gln471= (NM_001322010.2, NM_001406906.1, NM_001406907.1); c.1041A>G, p.Gln347= (NM_001322011.2, NM_001322012.2); c.1401A>G, p.Gln467= (NM_001322013.2, NM_001406909.1); c.1974A>G, p.Gln658= (NM_001322014.2, NM_001406871.1, NM_001406872.1); c.1665A>G, p.Gln555= (NM_001322015.2, NM_001406875.1, NM_001406877.1 and 5 more transcripts); and 13 more.
Identifiers: ClinVar variation 3904758 (VCV003904758.1).